The following is an entry in ClinVar:

ClinVar aggregate classification (germline): Pathogenic/Likely pathogenic. Review status: criteria provided, multiple submitters, no conflicts (2 of 4 stars). 2 submissions from 2 submitters: Pathogenic (1); Likely pathogenic (1). Last evaluated 2025-03-20.

Conditions:
Marfan syndrome (MFS). Also called: MARFAN SYNDROME, TYPE I; Marfan syndrome type 1; Marfan's syndrome; Marfan syndrome, classic; FBN1-Related Marfan Syndrome. Identifiers: Orphanet 284963, Orphanet 558, MedGen C0024796, MONDO:0007947, OMIM 154700.
Familial thoracic aortic aneurysm and aortic dissection (TAAD). Also called: Thoracic aortic aneurysms and dissections. Identifiers: Orphanet 91387, MedGen C4707243, MONDO:0019625.

Submissions (2):

Ambry Genetics
Classification: Likely pathogenic for Familial thoracic aortic aneurysm and aortic dissection. Last evaluated: 2025-03-20. Review status: criteria provided, single submitter. Criteria: Ambry Variant Classification Scheme 2023. Collection method: clinical testing. Allele origin: germline.
Comment: The p.C1905F variant (also known as c.5714G>T), located in coding exon 46 of the FBN1 gene, results from a G to T substitution at nucleotide position 5714. The cysteine at codon 1905 is replaced by phenylalanine, an amino acid with highly dissimilar properties. The majority of FBN1 mutations identified to date have involved the substitution or generation of cysteine residues within cbEGF domains (Vollbrandt T et al. J Biol Chem. 2004;279(31):32924-32931). Internal structural analysis indicates this alteration eliminates a disulfide bond critical for the structural integrity of the cbEGF28 domain (Ambry internal data). Other variant(s) at the same codon, p.C1905R (c.5713T>C), have been identified in individual(s) with features consistent with with features consistent with Marfan syndrome; in at least one individual, it was determined to be de novo (Stheneur C et al. Eur J Hum Genet, 2009 Sep;17:1121-8). This variant is considered to be rare based on population cohorts in the Genome Aggregation Database (gnomAD). This amino acid position is highly conserved in available vertebrate species. In addition, this alteration is predicted to be deleterious by in silico analysis. Based on the majority of available evidence to date, this variant is likely to be pathogenic.

Labcorp Genetics (formerly Invitae), Labcorp
Classification: Pathogenic for Marfan syndrome; Familial thoracic aortic aneurysm and aortic dissection. Last evaluated: 2024-01-15. Review status: criteria provided, single submitter. Criteria: Invitae Variant Classification Sherloc (09022015). Collection method: clinical testing. Allele origin: germline.
Comment: This sequence change replaces cysteine, which is neutral and slightly polar, with phenylalanine, which is neutral and non-polar, at codon 1905 of the FBN1 protein (p.Cys1905Phe). This variant is not present in population databases (gnomAD no frequency). This missense change has been observed in individuals with Marfan syndrome (PMID: 31279624; Invitae). Advanced modeling of protein sequence and biophysical properties (such as structural, functional, and spatial information, amino acid conservation, physicochemical variation, residue mobility, and thermodynamic stability) performed at Invitae indicates that this missense variant is expected to disrupt FBN1 protein function with a positive predictive value of 95%. This variant affects a cysteine residue in the EGF-like, TGFBP or hybrid motif domains of FBN1. Cysteine residues are believed to be involved in intramolecular disulfide bridges and have been shown to be important for FBN1 protein structure (PMID: 16905551, 19349279). In addition, missense substitutions affecting cysteine residues within these domains are significantly overrepresented among patients with Marfan syndrome (PMID: 16571647, 17701892). This variant disrupts the p.Cys1905 amino acid residue in FBN1. Other variant(s) that disrupt this residue have been observed in individuals with FBN1-related conditions (PMID: 19293843), which suggests that this may be a clinically significant amino acid residue. For these reasons, this variant has been classified as Pathogenic.

Literature cited by the submitters: PubMed 31279624 (cited by Labcorp Genetics (formerly Invitae), Labcorp); PubMed 16905551 (cited by Labcorp Genetics (formerly Invitae), Labcorp); PubMed 19349279 (cited by Labcorp Genetics (formerly Invitae), Labcorp); PubMed 16571647 (cited by Labcorp Genetics (formerly Invitae), Labcorp); PubMed 17701892 (cited by Labcorp Genetics (formerly Invitae), Labcorp); PubMed 19293843 (cited by Labcorp Genetics (formerly Invitae), Labcorp).

NM_000138.5(FBN1):c.5714G>T (p.Cys1905Phe)

Gene: FBN1 (fibrillin 1; minus strand). Cytogenetic location: 15q21.1.
Variant type: single nucleotide variant.
Coding change: c.5714G>T on transcript NM_000138.5 (MANE Select); coding-DNA position 5714, G replaced by T.
Protein change: p.Cys1905Phe; replaces cysteine 1905 with phenylalanine.
Molecular consequence: missense variant.
Genome position (GRCh38, 1-based): chr15:48,446,780, C>A on the plus strand (G>T on the coding strand, the complement: FBN1 is on the minus strand). VCF-style: chr15-48446780-C-A. GRCh37 (hg19) VCF-style: chr15-48738977-C-A.
Other names: c.5714G>T, p.Cys1905Phe (NM_001406716.1); short protein forms C1905F.
Identifiers: ClinVar variation 2931853 (VCV002931853.4), dbSNP rs112655848, ClinGen allele CA392341306.